The following is an entry in ClinVar:

NM_016507.4(CDK12):c.358C>T (p.Arg120Trp)

Genes: CDK12 (cyclin dependent kinase 12; plus strand), LOC126862553 (CDK7 strongly-dependent group 2 enhancer GRCh37_chr17:37618166-37619365; plus strand). Cytogenetic location: 17q12.
Variant type: single nucleotide variant.
Coding change: c.358C>T on transcript NM_016507.4 (MANE Select); coding-DNA position 358, C replaced by T.
Protein change: p.Arg120Trp; replaces arginine 120 with tryptophan.
Molecular consequence: missense variant.
Genome position (GRCh38, 1-based): chr17:39,462,429, C>T. VCF-style: chr17-39462429-C-T. GRCh37 (hg19) VCF-style: chr17-37618682-C-T.
Other names: c.358C>T, p.Arg120Trp (NM_015083.4); short protein forms R120W.
Identifiers: ClinVar variation 3830510 (VCV003830510.1).
Genomic context (GRCh38, chr17:39,462,429, plus strand): 5'-CGTGGATCAGATCGGAGCGACCGCCTGCACAAACATCGTCACCACCAGCACAGGCGTTCC[C>T]GGGACTTACTAAAAGCTAAACAGACCGAAAAAGAAAAAAGCCAAGAAGTCTCCAGCAAGT-3'
Protein context (NP_057591.2, residues 110-130): KHRHHQHRRS[Arg120Trp]DLLKAKQTEK

ClinVar aggregate classification (germline): Uncertain significance (1 of 4 stars; one submission).

gnomAD v4.1: 3 of 1,613,914 alleles (0.00019%); highest among the groups gnomAD compares: Admixed American, 0.0017%; no homozygotes.

Submission:

Ambry Genetics
Classification: Uncertain significance. Last evaluated: 2025-01-16. Review status: criteria provided, single submitter. Criteria: Ambry Variant Classification Scheme 2023. Collection method: clinical testing. Allele origin: germline.
Comment: The p.R120W variant (also known as c.358C>T), located in coding exon 1 of the CDK12 gene, results from a C to T substitution at nucleotide position 358. The arginine at codon 120 is replaced by tryptophan, an amino acid with dissimilar properties. This amino acid position is conserved. In addition, this alteration is predicted to be tolerated by in silico analysis. Based on the available evidence, the clinical significance of this variant remains unclear.